The following is an entry in ClinVar:

ClinVar aggregate classification (germline): Benign/Likely benign. Review status: criteria provided, multiple submitters, no conflicts (2 of 4 stars). 3 submissions from 3 submitters: Benign (1); Likely benign (2). Last evaluated 2024-12-06.

Conditions:
Familial cancer of breast. Also called: hereditary breast carcinoma; BREAST CANCER, FAMILIAL; Hereditary breast cancer. Identifiers: Orphanet 227535, MedGen C0346153, MONDO:0016419, OMIM 114480. Disease mechanism: loss of function.

Allele frequency attached by ClinVar (database versions not stated): gnomAD exomes below 0.00001.
gnomAD v4.1: 2 of 1,612,704 alleles (0.00012%); highest among the groups gnomAD compares: East Asian, 0.0022%; no homozygotes.

Submissions (3):

Women's Health and Genetics/Laboratory Corporation of America, LabCorp
Classification: Likely benign. Last evaluated: 2024-12-06. Review status: criteria provided, single submitter. Criteria: LabCorp Variant Classification Summary - May 2015. Collection method: clinical testing. Allele origin: germline.

Myriad Genetics, Inc.
Classification: Benign for Familial cancer of breast. Last evaluated: 2024-07-18. Review status: criteria provided, single submitter. Criteria: Myriad Autosomal Dominant, Autosomal Recessive and X-Linked Classification Criteria (2023). Collection method: clinical testing. Allele origin: unknown.
Comment: This variant is considered benign. This variant is a silent/synonymous amino acid change and it is not expected to impact splicing.

Labcorp Genetics (formerly Invitae), Labcorp
Classification: Likely benign for Familial cancer of breast. Last evaluated: 2023-09-25. Review status: criteria provided, single submitter. Criteria: Invitae Variant Classification Sherloc (09022015). Collection method: clinical testing. Allele origin: germline.

NM_000465.4(BARD1):c.169C>T (p.Leu57=)

Gene: BARD1 (BRCA1 associated RING domain 1; minus strand). Cytogenetic location: 2q35.
Variant type: single nucleotide variant.
Coding change: c.169C>T on transcript NM_000465.4 (MANE Select); coding-DNA position 169, C replaced by T.
Protein change: p.Leu57=; no amino-acid change (leucine 57 retained).
Molecular consequence: synonymous variant. On other transcripts: non-coding transcript variant (2), intron variant (2).
Genome position (GRCh38, 1-based): chr2:214,797,107, G>A on the plus strand (C>T on the coding strand, the complement: BARD1 is on the minus strand). VCF-style: chr2-214797107-G-A. GRCh37 (hg19) VCF-style: chr2-215661831-G-A.
Other names: c.169C>T, p.Leu57= (NM_001282545.2, NM_001282549.2); c.158+12305C>T (NM_001282548.2); c.159-4662C>T (NM_001282543.2).
Identifiers: ClinVar variation 1650137 (VCV001650137.11), dbSNP rs1559441908, ClinGen allele CA431144915.